The following is an entry in ClinVar:

ClinVar aggregate classification (germline): Likely benign (1 of 4 stars; one submission).

Allele frequency attached by ClinVar (database versions not stated): gnomAD exomes below 0.00001.
gnomAD v4.1: 2 of 1,614,178 alleles (0.00012%); highest among the groups gnomAD compares: South Asian, 0.0011%; no homozygotes.

Submission:

GeneDx
Classification: Likely benign. Last evaluated: 2022-01-27. Review status: criteria provided, single submitter. Criteria: GeneDx Variant Classification Process June 2021. Collection method: clinical testing. Allele origin: germline. Affected: yes.
Comment: Not observed at significant frequency in large population cohorts (gnomAD); In silico analysis supports that this missense variant does not alter protein structure/function; This variant is associated with the following publications: (PMID: ArayamparambilA2009[Supplemet], 27535533)

NM_001130438.3(SPTAN1):c.6319G>A (p.Ala2107Thr)

Gene: SPTAN1 (spectrin alpha, non-erythrocytic 1; plus strand). Cytogenetic location: 9q34.11.
Variant type: single nucleotide variant.
Coding change: c.6319G>A on transcript NM_001130438.3 (MANE Select); coding-DNA position 6319, G replaced by A.
Protein change: p.Ala2107Thr; replaces alanine 2107 with threonine.
Molecular consequence: missense variant.
Genome position (GRCh38, 1-based): chr9:128,626,430, G>A. VCF-style: chr9-128626430-G-A. GRCh37 (hg19) VCF-style: chr9-131388709-G-A.
Other names: c.6244G>A, p.Ala2082Thr (NM_001195532.2); c.6319G>A, p.Ala2107Thr (NM_001363759.2); c.6259G>A, p.Ala2087Thr (NM_001363765.2); c.6304G>A, p.Ala2102Thr (NM_003127.4); short protein forms A2107T, A2102T, A2082T, A2087T.
Identifiers: ClinVar variation 429550 (VCV000429550.4), dbSNP rs1131691448, ClinGen allele CA375088106.
Genomic context (GRCh38, chr9:128,626,430, plus strand): 5'-CTCAGTCTCTTCTGCTTCCAGGTGGAGGACCTCTTCCTGACCTTCGCCAAAAAGGCTTCT[G>A]CCTTCAACAGCTGGTTTGAAAATGCAGAGGAGGACTTAACAGACCCCGTGCGCTGCAACT-3'
Protein context (NP_001123910.1, residues 2097-2117): LFLTFAKKAS[Ala2107Thr]FNSWFENAEE